The following is an entry in ClinVar:

ClinVar aggregate classification (germline): Pathogenic (1 of 4 stars; one submission).

Conditions:
Hereditary nonpolyposis colon cancer (HNPCC). Also called: Hereditary nonpolyposis colorectal cancer; Familial nonpolyposis colon cancer; Hereditary Nonpolyposis Colorectal Cancer Syndrome. Identifiers: Orphanet 443909, MedGen C1333990, MONDO:0018630. Disease mechanism: loss of function.

Submission:

Women's Health and Genetics/Laboratory Corporation of America, LabCorp
Classification: Pathogenic for Hereditary nonpolyposis colon cancer. Last evaluated: 2020-11-17. Review status: criteria provided, single submitter. Criteria: LabCorp Variant Classification Summary - May 2015. Collection method: clinical testing. Allele origin: germline.
Comment: Variant summary: The variant identified by MLPA or other technology involves the deletion of exons 11-15 in the PMS2 gene. A presumed nomenclature of c.(1144+1_1145-1)_(*2475_?)del has been designated for the purposes of this classification. Although exact breakpoints of this deletion are not known, it is expected to resut in a large deletion in the PMS2 gene, a known mechanism of disease. The variant was absent in approximately 21600 chomosomes from the gnomAD structural variants dataset. c.(1144+1_1145-1)_(*2475_?)del has been reported in the literature in individuals affected with Hereditary Nonpolyposis Colorectal Cancer (e.g. van der Klift_2005,_2010, Vaughn_2011, Sugano_2016). These data indicate that the variant is likely to be associated with disease. To our knowledge, no experimental evidence demonstrating an impact on protein function has been reported. One clinical diagnostic laboratory has submitted clinical-significance assessments for this variant to ClinVar after 2014 without evidence for independent evaluation, and cited the variant as pathogenic. Based on the evidence outlined above, the variant was classified as pathogenic.

Literature cited by the submitters: PubMed 15942939; PubMed 20186688; PubMed 27589204; PubMed 21618646.

NC_000007.13:g.(?_6010555)_(6027252_6029430)del

Gene: PMS2 (PMS1 homolog 2, mismatch repair system component; minus strand). Cytogenetic location: 7p22.1.
Variant type: Deletion.
Identifiers: ClinVar variation 987857 (VCV000987857.1).